The following is an entry in ClinVar:

ClinVar aggregate classification (germline): Pathogenic (1 of 4 stars; one submission).

Conditions:
Retinitis pigmentosa 25 (RP25). Identifiers: Orphanet 791, MedGen C1864446, MONDO:0011272, OMIM 602772.

Submission:

Natera, Inc.
Classification: Pathogenic for Retinitis pigmentosa type 25. Last evaluated: 2024-06-14. Review status: criteria provided, single submitter. Criteria: Natera Variant Classification Schema (03/2026). Collection method: clinical testing. Allele origin: germline.
Comment: The c.8326delG variant in EYS is a frameshift variant predicted to shift the reading frame and introduce a stop codon. This variant is expected to result in nonsense mediated decay, truncation, or a dysfunctional protein product. This variant is rare in the general population with a frequency below the threshold expected for the associated phenotype(s). This variant has been observed in one or more individuals affected with the associated recessive disease, as either homozygous or compound heterozygous with a second variant (PMID: 33090715, 30029497). Given the available evidence, this variant is classified as Pathogenic.

Literature cited by the submitters: PubMed 33090715; PubMed 30029497.

NM_001142800.2(EYS):c.8326del (p.Lys2775_Val2776insTer)

Genes: EYS (EGF-like photoreceptor maintenance factor; minus strand), PHF3 (PHD finger protein 3; plus strand). Cytogenetic location: 6q12.
Variant type: Deletion.
Coding change: c.8326del on transcript NM_001142800.2 (MANE Select); coding-DNA position 8326, one base deleted (G; older notation c.8326delG).
Protein change: p.Lys2775_Val2776insTer.
Molecular consequence: nonsense. On other transcripts: 3 prime UTR variant (5).
Genome position (GRCh38, 1-based): chr6:63,721,705, C deleted on the plus strand (G on the coding strand, the reverse complement: EYS is on the minus strand). VCF-style (leftmost placement, unchanged base first): chr6-63721704-AC-A. GRCh37 (hg19) VCF-style: chr6-64431600-AC-A.
Other names: c.*7997del (NM_001290259.2, NM_001370348.2, NM_001370349.2 and 2 more transcripts); c.8389del, p.Lys2796_Val2797insTer (NM_001292009.2).
Identifiers: ClinVar variation 4814661 (VCV004814661.1).